The following is an entry in ClinVar:

NM_144498.4(OSBPL2):c.-128-1G>C

Gene: OSBPL2 (oxysterol binding protein like 2; plus strand). Cytogenetic location: 20q13.33.
Variant type: single nucleotide variant.
Coding change: c.-128-1G>C on transcript NM_144498.4 (MANE Select); the canonical splice acceptor site of the intron before 128 bases upstream of the start codon, G replaced by C.
Molecular consequence: splice acceptor variant.
Genome position (GRCh38, 1-based): chr20:62,256,056, G>C. VCF-style: chr20-62256056-G-C. GRCh37 (hg19) VCF-style: chr20-60831112-G-C.
Other names: c.-494-1G>C (NM_001363878.2); c.-128-1G>C (NM_014835.5); c.-349-1G>C (NM_001278649.3).
Identifiers: ClinVar variation 3342674 (VCV003342674.2).

ClinVar aggregate classification (germline): Uncertain significance (1 of 4 stars; one submission).

gnomAD v4.1: 96 of 1,120,862 alleles (0.0086%); highest among the groups gnomAD compares: East Asian, 0.25%; no homozygotes.

Submission:

GeneDx
Classification: Uncertain significance. Last evaluated: 2026-09-09. Review status: criteria provided, single submitter. Criteria: GeneDx Variant Classification Process June 2021. Collection method: clinical testing. Allele origin: germline.
Comment: Identified with a second OSBPL2 variant in a patient with dyschromatosis, ichthyosis, deafness, and atopic disease in published literature; authors propose a novel autosomal recessive syndrome, however, additional evidence is needed to further characterize this association (PMID: 38701954); Canonical splice site variant in a gene for which loss of function is not an established mechanism of disease; This variant is associated with the following publications: (PMID: 38701954)